The following is an entry in ClinVar:

NM_001384732.1(CPLANE1):c.5593A>C (p.Asn1865His)

Gene: CPLANE1 (ciliogenesis and planar polarity effector complex subunit 1; minus strand). Cytogenetic location: 5p13.2.
Variant type: single nucleotide variant.
Coding change: c.5593A>C on transcript NM_001384732.1 (MANE Select); coding-DNA position 5593, A replaced by C.
Protein change: p.Asn1865His; replaces asparagine 1865 with histidine.
Molecular consequence: missense variant.
Genome position (GRCh38, 1-based): chr5:37,180,161, T>G on the plus strand (A>C on the coding strand, the complement: CPLANE1 is on the minus strand). VCF-style: chr5-37180161-T-G. GRCh37 (hg19) VCF-style: chr5-37180263-T-G.
Other names: c.5593A>C, p.Asn1865His (NM_023073.4); short protein forms N1865H.
Identifiers: ClinVar variation 353445 (VCV000353445.22), dbSNP rs199524299, ClinGen allele CA3238499.

ClinVar aggregate classification (germline): Conflicting classifications of pathogenicity. Review status: criteria provided, conflicting classifications (1 of 4 stars). 9 submissions from 9 submitters: Uncertain significance (7); Likely benign (1). 1 of the submissions does not count toward it. Last evaluated 2025-12-21.

Conditions:
CPLANE1-related disorder. Also called: CPLANE1-related condition.
Inborn genetic diseases. Identifiers: MedGen C0950123, MeSH D030342.
Joubert syndrome 17 (JBTS17). Identifiers: Orphanet 475, MedGen C3553264, MONDO:0013824, OMIM 614615.
Orofaciodigital syndrome type 6 (OFD6). Also called: OROFACIODIGITAL SYNDROME VI; OFDS VI; POLYDACTYLY, CLEFT LIP/PALATE OR LINGUAL LUMP, AND PSYCHOMOTOR RETARDATION; VARADI SYNDROME; VARADI-PAPP SYNDROME; Oral-facial-digital syndrome type 6. Identifiers: Orphanet 2754, MedGen C2745997, MONDO:0010176, OMIM 277170.

Allele frequency attached by ClinVar (database versions not stated): gnomAD 0.00009 and 0.00010; ExAC 0.00010; gnomAD exomes 0.00010 and 0.00011; TOPMed 0.00012; ESP Exome Variant Server 0.00023.
gnomAD v4.1: 161 of 1,525,076 alleles (0.011%); highest among the groups gnomAD compares: Middle Eastern, 0.017%; no homozygotes.

Submissions (9):

Labcorp Genetics (formerly Invitae), Labcorp
Classification: Likely benign. Last evaluated: 2025-12-21. Review status: criteria provided, single submitter. Criteria: Invitae Variant Classification Sherloc (09022015). Collection method: clinical testing. Allele origin: germline.

GeneDx
Classification: Uncertain significance. Last evaluated: 2025-06-26. Review status: criteria provided, single submitter. Criteria: GeneDx Variant Classification Process June 2021. Collection method: clinical testing. Allele origin: germline. Affected: yes.
Comment: In silico analysis suggests that this missense variant does not alter protein structure/function; Has not been previously published as pathogenic or benign to our knowledge

Women's Health and Genetics/Laboratory Corporation of America, LabCorp
Classification: Uncertain significance. Last evaluated: 2025-02-18. Review status: criteria provided, single submitter. Criteria: LabCorp Variant Classification Summary - May 2015. Collection method: clinical testing. Allele origin: germline.
Comment: Variant summary: CPLANE1 c.5593A>C (p.Asn1865His) results in a conservative amino acid change in the encoded protein sequence. Four of five in-silico tools predict a benign effect of the variant on protein function. The variant allele was found at a frequency of 0.0001 in 233352 control chromosomes. This frequency is not significantly higher than estimated for a pathogenic variant in CPLANE1 causing Joubert Syndrome And Related Disorders (0.0001 vs 0.0015), allowing no conclusion about variant significance. To our knowledge, no occurrence of c.5593A>C in individuals affected with Joubert Syndrome And Related Disorders and no experimental evidence demonstrating its impact on protein function have been reported. ClinVar contains an entry for this variant (Variation ID: 353445). Based on the evidence outlined above, the variant was classified as uncertain significance.

Blueprint Genetics
Classification: Uncertain significance. Last evaluated: 2024-11-04. Review status: criteria provided, single submitter. Criteria: ACMG Guidelines, 2015. Collection method: clinical testing. Allele origin: germline.

Fulgent Genetics
Classification: Uncertain significance for Orofaciodigital syndrome type 6; Joubert syndrome 17. Last evaluated: 2024-06-20. Review status: criteria provided, single submitter. Criteria: ACMG Guidelines, 2015. Collection method: clinical testing. Allele origin: germline.

Department of Pathology and Laboratory Medicine, Sinai Health System
Classification: Uncertain significance for Joubert syndrome 17. Last evaluated: 2021-07-30. Review status: criteria provided, single submitter. Criteria: ACMG Guidelines, 2015. Collection method: research. Allele origin: germline.

Ambry Genetics
Classification: Uncertain significance for Inborn genetic diseases. Last evaluated: 2021-04-29. Review status: criteria provided, single submitter. Criteria: Ambry Variant Classification Scheme 2023. Collection method: clinical testing. Allele origin: germline.

Illumina Laboratory Services, Illumina
Classification: Uncertain significance for Joubert syndrome 17. Last evaluated: 2018-01-13. Review status: criteria provided, single submitter. Criteria: ICSL Variant Classification Criteria 13 December 2019. Collection method: clinical testing. Allele origin: germline.

PreventionGenetics, part of Exact Sciences
Classification: Uncertain significance for CPLANE1-related condition. Last evaluated: 2024-05-14. Review status: no assertion criteria provided. Collection method: clinical testing. Allele origin: germline. Not counted in ClinVar's aggregate classification.
Comment: The CPLANE1 c.5593A>C variant is predicted to result in the amino acid substitution p.Asn1865His. To our knowledge, this variant has not been reported in the literature. This variant is reported in 0.018% of alleles in individuals of European (Non-Finnish) descent in gnomAD. At this time, the clinical significance of this variant is uncertain due to the absence of conclusive functional and genetic evidence.